The following is an entry in ClinVar:

ClinVar aggregate classification (germline): Conflicting classifications of pathogenicity. Review status: criteria provided, conflicting classifications (1 of 4 stars). 3 submissions from 2 submitters: Likely pathogenic (1); Uncertain significance (2). Last evaluated 2024-10-29.

Conditions:
Congenital myotonia, autosomal dominant form (THD). Also called: THOMSEN DISEASE; Myotonia congenita autosomal dominant. Identifiers: Orphanet 614, MedGen C2936781, MONDO:0008055, OMIM 160800.
Congenital myotonia, autosomal recessive form. Also called: BECKER DISEASE; Becker Generalized Myotonia; myotonia congenita, autosomal recessive. Identifiers: Orphanet 614, MedGen C0751360, MONDO:0009715, OMIM 255700.

Allele frequency attached by ClinVar (database versions not stated): ExAC 0.00001; TOPMed 0.00001.
gnomAD v4.1: 10 of 1,612,462 alleles (0.00062%); highest among the groups gnomAD compares: South Asian, 0.0088%; no homozygotes.

Submissions (3):

Labcorp Genetics (formerly Invitae), Labcorp
Classification: Likely pathogenic for Congenital myotonia, autosomal recessive form; Congenital myotonia, autosomal dominant form. Last evaluated: 2024-10-29. Review status: criteria provided, single submitter. Criteria: Invitae Variant Classification Sherloc (09022015). Collection method: clinical testing. Allele origin: germline.
Comment: This sequence change replaces glycine, which is neutral and non-polar, with arginine, which is basic and polar, at codon 255 of the CLCN1 protein (p.Gly255Arg). This variant is present in population databases (rs746691295, gnomAD 0.01%). This missense change has been observed in individual(s) with autosomal recessive myotonia congenita (internal data). ClinVar contains an entry for this variant (Variation ID: 634429). Invitae Evidence Modeling of protein sequence and biophysical properties (such as structural, functional, and spatial information, amino acid conservation, physicochemical variation, residue mobility, and thermodynamic stability) indicates that this missense variant is expected to disrupt CLCN1 protein function with a positive predictive value of 80%. Algorithms developed to predict the effect of sequence changes on RNA splicing suggest that this variant may disrupt the consensus splice site. This variant disrupts the p.Gly255 amino acid residue in CLCN1. Other variant(s) that disrupt this residue have been determined to be pathogenic (PMID: 29606556; internal data). This suggests that this residue is clinically significant, and that variants that disrupt this residue are likely to be disease-causing. In summary, the currently available evidence indicates that the variant is pathogenic, but additional data are needed to prove that conclusively. Therefore, this variant has been classified as Likely Pathogenic.

Genomic Research Center, Shahid Beheshti University of Medical Sciences
Classification: Uncertain significance for Congenital myotonia, autosomal dominant form. Last evaluated: 2019-01-01. Review status: criteria provided, single submitter. Criteria: ACMG Guidelines, 2015. Collection method: clinical testing. Allele origin: unknown. Affected: no. Observed: 1 variant allele.

Genomic Research Center, Shahid Beheshti University of Medical Sciences
Classification: Uncertain significance for Congenital myotonia, autosomal recessive form. Last evaluated: 2019-01-01. Review status: criteria provided, single submitter. Criteria: ACMG Guidelines, 2015. Collection method: clinical testing. Allele origin: unknown. Affected: no. Observed: 1 variant allele.

Literature cited by the submitters: PubMed 29606556 (cited by Labcorp Genetics (formerly Invitae), Labcorp).

NM_000083.3(CLCN1):c.763G>A (p.Gly255Arg)

Gene: CLCN1 (chloride voltage-gated channel 1; plus strand). Cytogenetic location: 7q34.
Variant type: single nucleotide variant.
Coding change: c.763G>A on transcript NM_000083.3 (MANE Select); coding-DNA position 763, G replaced by A.
Protein change: p.Gly255Arg; replaces glycine 255 with arginine.
Molecular consequence: missense variant. On other transcripts: non-coding transcript variant (1).
Genome position (GRCh38, 1-based): chr7:143,323,375, G>A. VCF-style: chr7-143323375-G-A. GRCh37 (hg19) VCF-style: chr7-143020468-G-A.
Other names: short protein forms G255R.
Identifiers: ClinVar variation 634429 (VCV000634429.8), dbSNP rs746691295, ClinGen allele CA4537073.
Genomic context (GRCh38, chr7:143,323,375, plus strand): 5'-TTCGTCCACATTGCCAGCATCTGTGCTGCTGTCCTCAGCAAATTCATGTCTGTGTTCTGC[G>A]GGGTATATGAGGTAAGGTTGAGACAGTGAAATGAGCTGGGGCCAGGTGGTAGAAGGAGTC-3'
Protein context (NP_000074.3, residues 245-265): VLSKFMSVFC[Gly255Arg]VYEQPYYYSD